The following is an entry in ClinVar:

ClinVar aggregate classification (germline): Uncertain significance (1 of 4 stars; one submission).

Conditions:
Inborn genetic diseases. Identifiers: MedGen C0950123, MeSH D030342.

Submission:

Ambry Genetics
Classification: Uncertain significance for Inborn genetic diseases. Last evaluated: 2026-02-16. Review status: criteria provided, single submitter. Criteria: Ambry Variant Classification Scheme 2023. Collection method: clinical testing. Allele origin: germline.
Comment: The p.A610G variant (also known as c.1829C>G), located in coding exon 21 of the FANCA gene, results from a C to G substitution at nucleotide position 1829. The alanine at codon 610 is replaced by glycine, an amino acid with similar properties. This amino acid position is conserved. In addition, the in silico prediction for this alteration is inconclusive. Based on the available evidence, the clinical significance of this variant remains unclear.

NM_000135.4(FANCA):c.1829C>G (p.Ala610Gly)

Gene: FANCA (FA complementation group A; minus strand). Cytogenetic location: 16q24.3.
Variant type: single nucleotide variant.
Coding change: c.1829C>G on transcript NM_000135.4 (MANE Select); coding-DNA position 1829, C replaced by G.
Protein change: p.Ala610Gly; replaces alanine 610 with glycine.
Molecular consequence: missense variant.
Genome position (GRCh38, 1-based): chr16:89,775,813, G>C on the plus strand (C>G on the coding strand, the complement: FANCA is on the minus strand). VCF-style: chr16-89775813-G-C. GRCh37 (hg19) VCF-style: chr16-89842221-G-C.
Other names: c.1829C>G, p.Ala610Gly (NM_001286167.3); short protein forms A610G.
Identifiers: ClinVar variation 4824605 (VCV004824605.1).